The following is an entry in ClinVar:

NM_032043.2(BRIP1):c.(?_-1)_918+?dup

Genes: BRIP1 (BRCA1 interacting DNA helicase 1; minus strand), LOC110120932 (VISTA enhancer hs778; plus strand). Cytogenetic location: 17q23.2.
Variant type: Duplication.
Other names: c.(?_-1)_918+?dup (LRG_300t1).
Identifiers: ClinVar variation 216781 (VCV000216781.2).

ClinVar aggregate classification (germline): Uncertain significance (1 of 4 stars; one submission).

Conditions:
Familial cancer of breast. Also called: Hereditary breast cancer; BREAST CANCER, FAMILIAL; hereditary breast carcinoma. Identifiers: Orphanet 227535, MedGen C0346153, MONDO:0016419, OMIM 114480. Disease mechanism: loss of function.

Submission:

Labcorp Genetics (formerly Invitae), Labcorp
Classification: Uncertain significance for Familial cancer of breast. Last evaluated: 2015-06-07. Review status: criteria provided, single submitter. Criteria: Invitae Variant Classification Sherloc (09022015). Collection method: clinical testing. Allele origin: germline.
Comment: This sequence change is a gross duplication of the genomic region encompassing exons 2-7 of the BRIP1 gene. The 5' end of this event is unknown as it extends to the edge of the assayed region and the exact position of these duplicated exons in the genome cannot be determined from this data. A similar duplication encompassing exons 1-7 of BRIP1 is reported in an affected patient in the Decipher CNV database), although the specific phenotype of this patient is not reported (PMID: 19344873). In summary, this is a rare multi-exonic duplication with uncertain impact on protein function. It has been classified as a Variant of Uncertain Significance.